The following is an entry in ClinVar:

NM_020366.4(RPGRIP1):c.3719G>A (p.Gly1240Glu)

Gene: RPGRIP1 (RPGR interacting protein 1; plus strand). Cytogenetic location: 14q11.2.
Variant type: single nucleotide variant.
Coding change: c.3719G>A on transcript NM_020366.4 (MANE Select); coding-DNA position 3719, G replaced by A.
Protein change: p.Gly1240Glu; replaces glycine 1240 with glutamic acid.
Molecular consequence: missense variant.
Genome position (GRCh38, 1-based): chr14:21,348,273, G>A. VCF-style: chr14-21348273-G-A. GRCh37 (hg19) VCF-style: chr14-21816432-G-A.
Other names: c.1697G>A, p.Gly566Glu (NM_001377523.1, NM_001377950.1); c.2645G>A, p.Gly882Glu (NM_001377948.1); c.1805G>A, p.Gly602Glu (NM_001377949.1); c.1202G>A, p.Gly401Glu (NM_001377951.1); short protein forms G1240E, G401E, G566E, G602E, G882E.
Identifiers: ClinVar variation 312800 (VCV000312800.24), dbSNP rs34725281, ClinGen allele CA7089589.

ClinVar aggregate classification (germline): Benign/Likely benign. Review status: criteria provided, multiple submitters, no conflicts (2 of 4 stars). 7 submissions from 6 submitters: Benign (3); Likely benign (4). Last evaluated 2026-02-01.

Conditions:
Leber congenital amaurosis 6 (LCA6). Identifiers: Orphanet 65, MedGen C1854260, MONDO:0013446, OMIM 613826.
Cone-rod dystrophy 13 (CORD13). Identifiers: Orphanet 1872, MedGen C2750720, MONDO:0011987, OMIM 608194.

Allele frequency attached by ClinVar (database versions not stated): gnomAD exomes 0.00237 and 0.00616; ExAC 0.01339; ESP Exome Variant Server 0.02174; gnomAD 0.02281 and 0.02464; 1000 Genomes Project 0.02556; TOPMed 0.02675; 1000 Genomes Project 30x 0.02889.
gnomAD v4.1: 7,032 of 1,586,636 alleles (0.44%); highest among the groups gnomAD compares: African/African-American, 8%; 262 homozygotes.

Submissions (7):

Labcorp Genetics (formerly Invitae), Labcorp
Classification: Benign for Leber congenital amaurosis 6; Cone-rod dystrophy 13. Last evaluated: 2026-02-01. Review status: criteria provided, single submitter. Criteria: Invitae Variant Classification Sherloc (09022015). Collection method: clinical testing. Allele origin: germline.

Genomic Medicine Center of Excellence, King Faisal Specialist Hospital and Research Centre
Classification: Likely benign. Last evaluated: 2025-08-18. Review status: criteria provided, single submitter. Criteria: ACMG Guidelines, 2015. Collection method: clinical testing. Allele origin: germline.

GeneDx
Classification: Benign. Last evaluated: 2019-02-02. Review status: criteria provided, single submitter. Criteria: GeneDx Variant Classification Process June 2021. Collection method: clinical testing. Allele origin: germline. Affected: yes.

ARUP Laboratories, Molecular Genetics and Genomics, ARUP Laboratories
Classification: Benign. Last evaluated: 2018-09-14. Review status: criteria provided, single submitter. Criteria: ARUP Molecular Germline Variant Investigation Process. Collection method: clinical testing. Allele origin: germline.

Illumina Laboratory Services, Illumina
Classification: Likely benign for Leber congenital amaurosis 6. Last evaluated: 2017-04-27. Review status: criteria provided, single submitter. Criteria: ICSL Variant Classification Criteria 13 December 2019. Collection method: clinical testing. Allele origin: germline.
Comment: This variant was observed as part of a predisposition screen in an ostensibly healthy population. A literature search was performed for the gene, cDNA change, and amino acid change (where applicable). Publications were found based on this search. The evidence from the literature, in combination with allele frequency data from public databases where available, was sufficient to determine this variant is unlikely to cause disease. Therefore, this variant is classified as likely benign.

Illumina Laboratory Services, Illumina
Classification: Likely benign for Cone-rod dystrophy 13. Last evaluated: 2017-04-27. Review status: criteria provided, single submitter. Criteria: ICSL Variant Classification Criteria 13 December 2019. Collection method: clinical testing. Allele origin: germline.
Comment: This variant was observed as part of a predisposition screen in an ostensibly healthy population. A literature search was performed for the gene, cDNA change, and amino acid change (where applicable). No publications were found based on this search. Allele frequency data from public databases allowed determination this variant is unlikely to cause disease. Therefore, this variant is classified as likely benign.

Breakthrough Genomics
Classification: Likely benign. Review status: criteria provided, single submitter. Criteria: ACMG Guidelines, 2015. Collection method: not provided. Allele origin: germline. Inheritance: Autosomal recessive inheritance. Affected: yes.

Literature cited by the submitters: PubMed 14971589 (cited by Illumina Laboratory Services, Illumina); PubMed 17964524 (cited by Illumina Laboratory Services, Illumina).